The following is an entry in ClinVar:

ClinVar aggregate classification (germline): Pathogenic/Likely pathogenic. Review status: criteria provided, multiple submitters, no conflicts (2 of 4 stars). 3 submissions from 3 submitters: Pathogenic (2); Likely pathogenic (1). Last evaluated 2022-01-14.

Conditions:
Hydrocephalus, nonsyndromic, autosomal recessive 2. Also called: Hydrocephalus, congenital, 2, with or without brain or eye anomalies. Identifiers: Orphanet 2185, MedGen C3554691, MONDO:0014085, OMIM 615219.

Allele frequency attached by ClinVar (database versions not stated): gnomAD 0.00002; ExAC 0.00001; TOPMed 0.00002; gnomAD exomes 0.00002.
gnomAD v4.1: 9 of 1,613,300 alleles (0.00056%); highest among the groups gnomAD compares: Non-Finnish European, 0.00076%; no homozygotes.

Submissions (3):

GeneDx
Classification: Pathogenic. Last evaluated: 2022-01-14. Review status: criteria provided, single submitter. Criteria: GeneDx Variant Classification Process June 2021. Collection method: clinical testing. Allele origin: germline. Affected: yes.
Comment: Canonical splice site variant predicted to result in a null allele in a gene for which loss-of-function is a known mechanism of disease; Not observed at significant frequency in large population cohorts (gnomAD); Has not been previously published as pathogenic or benign to our knowledge

Labcorp Genetics (formerly Invitae), Labcorp
Classification: Likely pathogenic. Last evaluated: 2021-07-13. Review status: criteria provided, single submitter. Criteria: Invitae Variant Classification Sherloc (09022015). Collection method: clinical testing. Allele origin: germline.
Comment: This sequence change affects a donor splice site in intron 28 of the MPDZ gene. It is expected to disrupt RNA splicing. Variants that disrupt the donor or acceptor splice site typically lead to a loss of protein function (PMID: 16199547), and loss-of-function variants in MPDZ are known to be pathogenic (PMID: 23240096, 28556411). This variant is present in population databases (rs767038098, ExAC 0.001%). Disruption of this splice site has been observed in individual(s) with retinitis pigmentosa (Invitae). ClinVar contains an entry for this variant (Variation ID: 929453). Algorithms developed to predict the effect of sequence changes on RNA splicing suggest that this variant may disrupt the consensus splice site. In summary, the currently available evidence indicates that the variant is pathogenic, but additional data are needed to prove that conclusively. Therefore, this variant has been classified as Likely Pathogenic.

HudsonAlpha Institute for Biotechnology
Classification: Pathogenic for Hydrocephalus, nonsyndromic, autosomal recessive 2. Last evaluated: 2020-04-28. Review status: criteria provided, single submitter. Criteria: ACMG Guidelines, 2015. Collection method: research. Allele origin: unknown. Affected: yes. Observed: 1 variant allele. Study: CSER-SouthSeq.
Comment: ACMG codes: PVS1, PM2, PP4

Literature cited by the submitters: PubMed 16199547 (cited by Labcorp Genetics (formerly Invitae), Labcorp); PubMed 23240096 (cited by Labcorp Genetics (formerly Invitae), Labcorp); PubMed 28556411 (cited by Labcorp Genetics (formerly Invitae), Labcorp).

NM_001378778.1(MPDZ):c.4003+1G>A

Gene: MPDZ (multiple PDZ domain crumbs cell polarity complex component; minus strand). Cytogenetic location: 9p23.
Variant type: single nucleotide variant.
Coding change: c.4003+1G>A on transcript NM_001378778.1 (MANE Select); the canonical splice donor site of the intron after coding-DNA position 4003, G replaced by A.
Molecular consequence: splice donor variant.
Genome position (GRCh38, 1-based): chr9:13,139,986, C>T on the plus strand (G>A on the coding strand, the complement: MPDZ is on the minus strand). VCF-style: chr9-13139986-C-T. GRCh37 (hg19) VCF-style: chr9-13139985-C-T.
Other names: c.3793+1G>A (NM_001375425.1, NM_001375420.1, NM_001375423.1 and 4 more transcripts); c.3904+1G>A (NM_001375419.1, NM_001375416.1, NM_001375418.1 and 3 more transcripts); c.4003+1G>A (NM_001330637.2, NM_003829.5, NM_001375413.1); c.3595+1G>A (NM_001375427.1).
Identifiers: ClinVar variation 929453 (VCV000929453.7), dbSNP rs767038098, ClinGen allele CA4986893.
Genomic context (GRCh38, chr9:13,139,986, plus strand): 5'-AGAAACTCAGAGCTATTTTAATACCTCTTACAATTAAATGCATCACAAAAACACAACTTA[C>T]TCCAGCTGTAACCAAACTCATCCTCTTTGTCCACATCTTGTGAGATTTTGCTTGCAGATG-3'